The following is an entry in ClinVar:

NM_005765.3(ATP6AP2):c.357G>A (p.Glu119=)

Gene: ATP6AP2 (ATPase H+ transporting accessory protein 2; plus strand). Cytogenetic location: Xp11.4.
Variant type: single nucleotide variant.
Coding change: c.357G>A on transcript NM_005765.3 (MANE Select); coding-DNA position 357, G replaced by A.
Protein change: p.Glu119=; no amino-acid change (glutamic acid 119 retained).
Molecular consequence: synonymous variant.
Genome position (GRCh38, 1-based): chrX:40,597,305, G>A. VCF-style: chrX-40597305-G-A. GRCh37 (hg19) VCF-style: chrX-40456557-G-A.
Identifiers: ClinVar variation 759345 (VCV000759345.10), dbSNP rs138952430, ClinGen allele CA10387199.

ClinVar aggregate classification (germline): Benign/Likely benign. Review status: criteria provided, multiple submitters, no conflicts (2 of 4 stars). 2 submissions from 2 submitters: Benign (1); Likely benign (1). Last evaluated 2026-01-05.

Conditions:
Intellectual developmental disorder, X-linked, syndromic, Hedera type. Also called: Syndromic X-linked intellectual disability Hedera type. Identifiers: Orphanet 93952, MedGen C1845543, MONDO:0010319, OMIM 300423.

Allele frequency attached by ClinVar (database versions not stated): TOPMed 0.00019; ESP Exome Variant Server 0.00076; gnomAD exomes 0.00006 and 0.00002; ExAC 0.00007; gnomAD 0.00010 and 0.00009.
gnomAD v4.1: 30 of 1,205,884 alleles (0.0025%); highest among the groups gnomAD compares: African/African-American, 0.051%; no homozygotes.

Submissions (3):

Labcorp Genetics (formerly Invitae), Labcorp
Classification: Benign for Intellectual developmental disorder, X-linked, syndromic, Hedera type. Last evaluated: 2026-01-05. Review status: criteria provided, single submitter. Criteria: Invitae Variant Classification Sherloc (09022015). Collection method: clinical testing. Allele origin: germline.

GeneDx
Classification: Likely benign. Last evaluated: 2020-11-02. Review status: criteria provided, single submitter. Criteria: GeneDx Variant Classification Process June 2021. Collection method: clinical testing. Allele origin: germline. Affected: yes.
Comment: This variant is associated with the following publications: (PMID: 23595882)

Dr. Peter K. Rogan Lab, Western University
No classification provided (evidence only). Condition: Nonpapillary renal cell carcinoma. Review status: no classification provided. Collection method: in vitro. Allele origin: not applicable. Functional consequence: retained intron. Not counted in ClinVar's aggregate classification.